The following is an entry in ClinVar:

NM_024312.5(GNPTAB):c.3614G>A (p.Arg1205Gln)

Gene: GNPTAB (N-acetylglucosamine-1-phosphate transferase subunits alpha and beta; minus strand). Cytogenetic location: 12q23.2.
Variant type: single nucleotide variant.
Coding change: c.3614G>A on transcript NM_024312.5 (MANE Select); coding-DNA position 3614, G replaced by A.
Protein change: p.Arg1205Gln; replaces arginine 1205 with glutamine.
Molecular consequence: missense variant.
Genome position (GRCh38, 1-based): chr12:101,749,180, C>T on the plus strand (G>A on the coding strand, the complement: GNPTAB is on the minus strand). VCF-style: chr12-101749180-C-T. GRCh37 (hg19) VCF-style: chr12-102142958-C-T.
Other names: short protein forms R1205Q.
Identifiers: ClinVar variation 2143293 (VCV002143293.1), dbSNP rs143943289, ClinGen allele CA6746093.
Genomic context (GRCh38, chr12:101,749,180, plus strand): 5'-AATATAGTAAACATAATCAATGTTGCTAGTACACAATGGGTCCAAAACTTCAATTTGTCT[C>T]GATAAGCCCTCCTGTGCAGAGAGAAGAAAGCAACTATGTACTTCTGTATATGGTTTCACT-3'
Protein context (NP_077288.2, residues 1195-1215): MHELQEWRAY[Arg1205Gln]DKLKFWTHCV

ClinVar aggregate classification (germline): Uncertain significance (1 of 4 stars; one submission).

Conditions:
Mucolipidosis type II. Also called: Mucolipidosis 2; ML 2; Inclusion cell disease; Leroy Disease; N-acetylglucosamine 1phosphotransferase deficiency; ML disorder type 2. Identifiers: Orphanet 576, MedGen C2673377, MONDO:0009650, OMIM 252500.
Pseudo-Hurler polydystrophy. Also called: ML IIIA; Mucolipidosis III Alpha/Beta; MUCOLIPIDOSIS IIIA; ML III; ML III ALPHA/BETA; Type III Mucolipidosis. Identifiers: Orphanet 423461, Orphanet 577, MedGen C0033788, MONDO:0018931, OMIM 252600.

Allele frequency attached by ClinVar (database versions not stated): ExAC 0.00001; TOPMed 0.00004; gnomAD exomes 0.00003; ESP Exome Variant Server 0.00015.
gnomAD v4.1: 43 of 1,605,110 alleles (0.0027%); highest among the groups gnomAD compares: South Asian, 0.011%; no homozygotes.

Submission:

Labcorp Genetics (formerly Invitae), Labcorp
Classification: Uncertain significance for Pseudo-Hurler polydystrophy; Mucolipidosis type II. Last evaluated: 2022-03-26. Review status: criteria provided, single submitter. Criteria: Invitae Variant Classification Sherloc (09022015). Collection method: clinical testing. Allele origin: germline.
Comment: This sequence change replaces arginine, which is basic and polar, with glutamine, which is neutral and polar, at codon 1205 of the GNPTAB protein (p.Arg1205Gln). This variant is present in population databases (rs143943289, gnomAD 0.004%). This variant has not been reported in the literature in individuals affected with GNPTAB-related conditions. Algorithms developed to predict the effect of missense changes on protein structure and function (SIFT, PolyPhen-2, Align-GVGD) all suggest that this variant is likely to be disruptive. In summary, the available evidence is currently insufficient to determine the role of this variant in disease. Therefore, it has been classified as a Variant of Uncertain Significance.